The following is an entry in ClinVar:

ClinVar aggregate classification (germline): Pathogenic (1 of 4 stars; one submission).

Conditions:
Hereditary cancer-predisposing syndrome. Also called: Neoplastic Syndromes, Hereditary; Tumor predisposition; Hereditary Cancer Syndrome; Hereditary neoplastic syndrome. Identifiers: Orphanet 140162, MedGen C0027672, MeSH D009386, MONDO:0015356.

Submission:

Ambry Genetics
Classification: Pathogenic for Hereditary cancer-predisposing syndrome. Last evaluated: 2017-08-09. Review status: criteria provided, single submitter. Criteria: Ambry Variant Classification Scheme 2023. Collection method: clinical testing. Allele origin: germline.
Comment: The EX2dup gross duplication spans coding exon 2 in the BRCA1 gene. Additional analysis to determine breakpoints identified that this duplication is in tandem and is predicted to result in an in-frame alteration (Ambry internal data). This tandem, in-frame, duplication creates an extra helical domain that interacts with other known pathogenic variants which lie near a mutational hotspot. This extra helical domain is also expected to destabilize the structure of the zinc finger (Ambry internal data; Brzovic PS et al. Nat. Struct. Biol., 2001 Oct;8:833-7; Bellon SF et al. Nat. Struct. Biol., 1997 Jul;4:586-91). As such, this alteration is interpreted as a disease-causing mutation.

Literature cited by the submitters: PubMed 11573085; PubMed 20451485; PubMed 9228952.

NM_007294.4(BRCA1):c.81-1794_134+629dup

Gene: BRCA1 (BRCA1 DNA repair associated; minus strand). Cytogenetic location: 17q21.31.
Variant type: Duplication.
Coding change: c.81-1794_134+629dup on transcript NM_007294.4 (MANE Select); 1794 bases into the intron before coding-DNA position 81 through 629 bases into the intron after coding-DNA position 134, 2,477 bases duplicated.
Molecular consequence: splice acceptor variant, splice donor variant. On other transcripts: intron variant (41).
Genome position (GRCh38, 1-based): chr17:43,115,097-43,117,573, 2,477 bases duplicated. GRCh37 (hg19): chr17:41,267,115-41,269,591.
Other names: c.-219+7704_-219+10180dup (NM_001407967.1); c.-61-1794_-8+629dup (NM_001407735.1, NM_001407729.1, NM_001408458.1 and 44 more transcripts); c.81-1794_134+629dup (NM_001408495.1, NM_001408448.1, NM_001408421.1 and 191 more transcripts); c.-108-1794_-55+629dup (NM_001407899.1, NM_001408507.1, NM_001407885.1 and 51 more transcripts); c.-223-1794_-170+629dup (NM_001408512.1, NM_001408510.1, NM_001407962.1 and 1 more transcripts); c.-8+7704_-7-8564dup (NM_001407931.1, NM_001407747.1); c.-170+7704_-169-10141dup (NM_001407959.1); c.-177-1794_-124+629dup (NM_001407746.1, NM_001408468.1, NM_001407842.1 and 12 more transcripts); and 14 more.
Identifiers: ClinVar variation 1762060 (VCV001762060.2), ClinGen allele CA2580093851.